The following is an entry in ClinVar:

ClinVar aggregate classification (germline): Conflicting classifications of pathogenicity. Review status: criteria provided, conflicting classifications (1 of 4 stars). 3 submissions from 3 submitters: Pathogenic (1); Likely pathogenic (1); Uncertain significance (1). Last evaluated 2022-03-31.

Conditions:
Mitochondrial hypertrophic cardiomyopathy with lactic acidosis due to MTO1 deficiency. Also called: CARDIOMYOPATHY, INFANTILE HYPERTROPHIC MITOCHONDRIAL, AND LACTIC ACIDOSIS; Combined oxidative phosphorylation deficiency 10. Identifiers: Orphanet 314637, MedGen C4749921, MONDO:0013865, OMIM 614702.

gnomAD v4.1: 1 of 1,614,026 alleles (0.000062%); highest among the groups gnomAD compares: Non-Finnish European, 0.000085%; no homozygotes.

Submissions (3):

Institute for Clinical Genetics, University Hospital TU Dresden, University Hospital TU Dresden
Classification: Likely pathogenic. Last evaluated: 2022-03-31. Review status: criteria provided, single submitter. Criteria: ACMG Guidelines, 2015. Collection method: clinical testing. Allele origin: inherited.
Comment: PS4_MOD, PP3, PP4, PM2_SUP, PP1

Labcorp Genetics (formerly Invitae), Labcorp
Classification: Uncertain significance for Mitochondrial hypertrophic cardiomyopathy with lactic acidosis due to MTO1 deficiency. Last evaluated: 2022-03-02. Review status: criteria provided, single submitter. Criteria: Invitae Variant Classification Sherloc (09022015). Collection method: clinical testing. Allele origin: germline.
Comment: This sequence change replaces isoleucine, which is neutral and non-polar, with phenylalanine, which is neutral and non-polar, at codon 408 of the MTO1 protein (p.Ile408Phe). This variant is not present in population databases (gnomAD no frequency). This missense change has been observed in individuals with MTO1-related conditions (PMID: 25552653, 29331171). Algorithms developed to predict the effect of missense changes on protein structure and function are either unavailable or do not agree on the potential impact of this missense change (SIFT: "Deleterious"; PolyPhen-2: "Probably Damaging"; Align-GVGD: "Class C0"). In summary, the available evidence is currently insufficient to determine the role of this variant in disease. Therefore, it has been classified as a Variant of Uncertain Significance.

Institute of Human Genetics Munich, TUM University Hospital
Classification: Pathogenic for Mitochondrial hypertrophic cardiomyopathy with lactic acidosis due to MTO1 deficiency. Last evaluated: 2021-10-06. Review status: criteria provided, single submitter. Criteria: Classification criteria August 2017. Collection method: clinical testing. Allele origin: inherited. Inheritance: Autosomal recessive inheritance. Affected: yes. Observed: 1 variant allele.

Literature cited by the submitters: PubMed 25552653 (cited by Labcorp Genetics (formerly Invitae), Labcorp); PubMed 29331171 (cited by Labcorp Genetics (formerly Invitae), Labcorp).

NM_012123.4(MTO1):c.1222A>T (p.Ile408Phe)

Gene: MTO1 (mitochondrial tRNA translation optimization 1; plus strand). Cytogenetic location: 6q13.
Variant type: single nucleotide variant.
Coding change: c.1222A>T on transcript NM_012123.4 (MANE Select); coding-DNA position 1222, A replaced by T.
Protein change: p.Ile408Phe; replaces isoleucine 408 with phenylalanine.
Molecular consequence: missense variant.
Genome position (GRCh38, 1-based): chr6:73,480,767, A>T. VCF-style: chr6-73480767-A-T. GRCh37 (hg19) VCF-style: chr6-74190490-A-T.
Other names: c.1222A>T, p.Ile408Phe (NM_001123226.2); c.1297A>T, p.Ile433Phe (NM_133645.3); short protein forms I408F, I433F.
Identifiers: ClinVar variation 1804010 (VCV001804010.4), dbSNP rs149407452, ClinGen allele CA364715505.